The following is an entry in ClinVar:

NM_018417.6(ADCY10):c.1330G>C (p.Glu444Gln)

Genes: ADCY10 (adenylate cyclase 10; minus strand), DCAF6 (DDB1 and CUL4 associated factor 6; plus strand). Cytogenetic location: 1q24.2.
Variant type: single nucleotide variant.
Coding change: c.1330G>C on transcript NM_018417.6 (MANE Select); coding-DNA position 1330, G replaced by C.
Protein change: p.Glu444Gln; replaces glutamic acid 444 with glutamine.
Molecular consequence: missense variant.
Genome position (GRCh38, 1-based): chr1:167,878,522, C>G on the plus strand (G>C on the coding strand, the complement: ADCY10 is on the minus strand). VCF-style: chr1-167878522-C-G. GRCh37 (hg19) VCF-style: chr1-167847760-C-G.
Other names: c.871G>C, p.Glu291Gln (NM_001167749.3); c.1054G>C, p.Glu352Gln (NM_001297772.2); short protein forms E291Q, E352Q, E444Q.
Identifiers: ClinVar variation 4526836 (VCV004526836.1).

ClinVar aggregate classification (germline): Uncertain significance (1 of 4 stars; one submission).

Conditions:
Familial idiopathic hypercalciuria (HCA2). Also called: Hypercalciuria, absorptive, 2; Hypercalciuria, absorptive, susceptibility to. Identifiers: MedGen C0342639, MONDO:0007748, OMIM 143870.

Submission:

Rare Kidney Stone Consortium and the Mayo Clinic Hyperoxaluria Center, Mayo Clinic
Classification: Uncertain significance for Familial idiopathic hypercalciuria. Last evaluated: 2025-10-03. Review status: criteria provided, single submitter. Criteria: ACMG Guidelines, 2015. Collection method: research. Allele origin: germline. Observed: 1 variant allele.
Comment: ACMG:PM1, PM2, BP1

Literature cited by the submitters: PubMed 40794449.